The following is an entry in ClinVar:

ClinVar aggregate classification (germline): Uncertain significance (1 of 4 stars; one submission).

Conditions:
Seborrhea-like dermatitis with psoriasiform elements. Identifiers: Orphanet 168606, MedGen C1853258, MONDO:0012446, OMIM 610227.

Submission:

HudsonAlpha Institute for Biotechnology
Classification: Uncertain significance for Seborrhea-like dermatitis with psoriasiform elements. Last evaluated: 2018-02-27. Review status: criteria provided, single submitter. Criteria: ACMG Guidelines, 2015. Collection method: research. Allele origin: maternal. Affected: yes. Observed: 1 variant allele. Study: HudsonAlpha-AGHI-WGS.
Comment: ACMG codes: PM2

NM_024702.3(ZNF750):c.39_49del (p.His13fs)

Genes: TBCD (tubulin folding cofactor D), ZNF750 (zinc finger protein 750; minus strand). Cytogenetic location: 17q25.3.
Variant type: Deletion.
Coding change: c.39_49del on transcript NM_024702.3 (MANE Select); coding-DNA positions 39 to 49, 11 bases deleted (TTACATCCCCA).
Protein change: p.His13fs; shifts the reading frame from histidine 13.
Molecular consequence: frameshift variant. On other transcripts: intron variant (3).
Genome position (GRCh38, 1-based): chr17:82,832,406-82,832,416, TGGGGATGTAA deleted on the plus strand (TTACATCCCCA on the coding strand, the reverse complement: ZNF750 is on the minus strand); deleting any 11 consecutive bases within chr17:82,832,406-82,832,418 gives the same sequence; the c. name uses the placement nearest the transcript's 3' end. VCF-style (leftmost placement, unchanged base first): chr17-82832405-CTGGGGATGTAA-C. GRCh37 (hg19) VCF-style: chr17-80790281-CTGGGGATGTAA-C.
Other names: c.1318+17474_1318+17484del (NM_005993.5, NM_001411102.1); c.1267+17474_1267+17484del (NM_001411101.1); short protein forms H13fs.
Identifiers: ClinVar variation 1803730 (VCV001803730.1), dbSNP rs2511140902, ClinGen allele CA2580095376.